The following is an entry in ClinVar:

ClinVar aggregate classification (germline): Likely benign (1 of 4 stars; one submission).

Conditions:
IFT172-related disorder. Also called: IFT172-related disorders; IFT172-related condition.

gnomAD v4.1: 7 of 1,614,082 alleles (0.00043%); highest among the groups gnomAD compares: Non-Finnish European, 0.00059%; no homozygotes.

Submission:

PreventionGenetics, part of Exact Sciences
Classification: Likely benign for IFT172-related condition. Last evaluated: 2025-07-15. Review status: criteria provided, single submitter. Criteria: ACMG Guidelines, 2015. Collection method: clinical testing. Allele origin: germline.
Comment: This variant is classified as likely benign based on ACMG/AMP sequence variant interpretation guidelines (Richards et al. 2015 PMID: 25741868, with internal and published modifications).

NM_015662.3(IFT172):c.3894C>T (p.Cys1298=)

Genes: IFT172 (intraflagellar transport 172; minus strand), LOC126806173 (BRD4-independent group 4 enhancer GRCh37_chr2:27676057-27677256; plus strand). Cytogenetic location: 2p23.3.
Variant type: single nucleotide variant.
Coding change: c.3894C>T on transcript NM_015662.3 (MANE Select); coding-DNA position 3894, C replaced by T.
Protein change: p.Cys1298=; no amino-acid change (cysteine 1298 retained).
Molecular consequence: synonymous variant.
Genome position (GRCh38, 1-based): chr2:27,453,441, G>A on the plus strand (C>T on the coding strand, the complement: IFT172 is on the minus strand). VCF-style: chr2-27453441-G-A. GRCh37 (hg19) VCF-style: chr2-27676308-G-A.
Other names: c.3828C>T, p.Cys1276= (NM_001410739.1).
Identifiers: ClinVar variation 5001748 (VCV005001748.1).
Genomic context (GRCh38, chr2:27,453,441, plus strand): 5'-CACCTTCATCCAGCACTTCTCCGCCAGGCCGCTGTTTCCAGAGTCTCGCACTTTGAGGTA[G>A]CAGTCCACGGCACGGCTGTACTCTCCAGCCTGCTCCCAGTGTCGAGCTTGTTCCACAAAT-3'
Protein context (NP_056477.1, residues 1288-1308): QAGEYSRAVD[Cys1298=]YLKVRDSGNS